The following is an entry in ClinVar:

ClinVar aggregate classification (germline): Uncertain significance (1 of 4 stars; one submission).

Allele frequency attached by ClinVar (database versions not stated): gnomAD exomes below 0.00001.
gnomAD v4.1: 2 of 1,614,066 alleles (0.00012%); highest among the groups gnomAD compares: African/African-American, 0.0027%; no homozygotes.

Submission:

GeneDx
Classification: Uncertain significance. Last evaluated: 2019-10-29. Review status: criteria provided, single submitter. Criteria: GeneDx Variant Classification Process June 2021. Collection method: clinical testing. Allele origin: germline. Affected: yes.
Comment: Has not been previously published as pathogenic or benign to our knowledge; Not observed in large population cohorts (Lek et al., 2016); In silico analysis, which includes protein predictors and evolutionary conservation, supports a deleterious effect; Variants in candidate genes are classified as variants of uncertain significance in accordance with ACMG guidelines (Richards et al., 2015)

NM_002487.3(NDN):c.340C>G (p.Gln114Glu)

Gene: NDN (necdin, MAGE family member; minus strand). Cytogenetic location: 15q11.2.
Variant type: single nucleotide variant.
Coding change: c.340C>G on transcript NM_002487.3 (MANE Select); coding-DNA position 340, C replaced by G.
Protein change: p.Gln114Glu; replaces glutamine 114 with glutamic acid.
Molecular consequence: missense variant.
Genome position (GRCh38, 1-based): chr15:23,686,878, G>C on the plus strand (C>G on the coding strand, the complement: NDN is on the minus strand). VCF-style: chr15-23686878-G-C. GRCh37 (hg19) VCF-style: chr15-23932025-G-C.
Other names: short protein forms Q114E.
Identifiers: ClinVar variation 1320764 (VCV001320764.2), dbSNP rs2140757987, ClinGen allele CA391339516.